The following is an entry in ClinVar:

NM_005534.4(IFNGR2):c.466A>C (p.Ile156Leu)

Gene: IFNGR2 (interferon gamma receptor 2; plus strand). Cytogenetic location: 21q22.11.
Variant type: single nucleotide variant.
Coding change: c.466A>C on transcript NM_005534.4 (MANE Select); coding-DNA position 466, A replaced by C.
Protein change: p.Ile156Leu; replaces isoleucine 156 with leucine.
Molecular consequence: missense variant.
Genome position (GRCh38, 1-based): chr21:33,426,937, A>C. VCF-style: chr21-33426937-A-C. GRCh37 (hg19) VCF-style: chr21-34799244-A-C.
Other names: c.523A>C, p.Ile175Leu (NM_001329128.2); short protein forms I156L, I175L.
Identifiers: ClinVar variation 111246 (VCV000111246.39), dbSNP rs121913208, ClinGen allele CA230554.

ClinVar aggregate classification (germline): Benign/Likely benign. Review status: criteria provided, multiple submitters, no conflicts (2 of 4 stars). 8 submissions from 8 submitters: Benign (1); Likely benign (6). 1 of the submissions does not count toward it. Last evaluated 2026-01-28.

Conditions:
IFNGR2-related disorder. Also called: IFNGR2-related condition.
Immunodeficiency 28 (IMD28). Also called: IFNGR2 DEFICIENCY. Identifiers: Orphanet 319547, Orphanet 319574, MedGen C4013947, MONDO:0013953, OMIM 614889.
Immunodeficiency 27A (IMD27A). Also called: IMMUNODEFICIENCY 27A, MYCOBACTERIOSIS, AUTOSOMAL RECESSIVE; IFNGR1 DEFICIENCY, AUTOSOMAL RECESSIVE. Identifiers: Orphanet 319569, Orphanet 99898, MedGen C4011949, MONDO:0008856, OMIM 209950.

Allele frequency attached by ClinVar (database versions not stated): 1000 Genomes Project 0.00060; 1000 Genomes Project 30x 0.00062; TOPMed 0.00189; ExAC 0.00193; gnomAD 0.00193 and 0.00206; gnomAD exomes 0.00228 and 0.00251; ESP Exome Variant Server 0.00277.
gnomAD v4.1: 3,986 of 1,613,620 alleles (0.25%); highest among the groups gnomAD compares: Non-Finnish European, 0.26%; 8 homozygotes.

Submissions (8):

Labcorp Genetics (formerly Invitae), Labcorp
Classification: Benign for Immunodeficiency 28. Last evaluated: 2026-01-28. Review status: criteria provided, single submitter. Criteria: Invitae Variant Classification Sherloc (09022015). Collection method: clinical testing. Allele origin: germline.

CeGaT Center for Human Genetics Tuebingen
Classification: Likely benign. Last evaluated: 2025-11-01. Review status: criteria provided, single submitter. Criteria: CeGaT Center For Human Genetics Tuebingen Variant Classification Criteria Version 2. Collection method: clinical testing. Allele origin: germline. Affected: yes. Observed: 2 variant alleles.
Comment: IFNGR2: BP4

PreventionGenetics, part of Exact Sciences
Classification: Likely benign for IFNGR2-related condition. Last evaluated: 2025-07-14. Review status: criteria provided, single submitter. Criteria: ACMG Guidelines, 2015. Collection method: clinical testing. Allele origin: germline.
Comment: This variant is classified as likely benign based on ACMG/AMP sequence variant interpretation guidelines (Richards et al. 2015 PMID: 25741868, with internal and published modifications).

Blueprint Genetics
Classification: Likely benign. Last evaluated: 2024-11-28. Review status: criteria provided, single submitter. Criteria: ACMG Guidelines, 2015. Collection method: clinical testing. Allele origin: germline.

Clinical Genetics DNA and cytogenetics Diagnostics Lab, Erasmus MC, Erasmus Medical Center
Classification: Likely benign for Immunodeficiency 27A. Last evaluated: 2017-10-27. Review status: criteria provided, single submitter. Criteria: ACGS Guidelines, 2013. Collection method: clinical testing. Allele origin: germline. Affected: yes. Study: VKGL Data-share Consensus.

Women's Health and Genetics/Laboratory Corporation of America, LabCorp
Classification: Likely benign. Last evaluated: 2017-02-03. Review status: criteria provided, single submitter. Criteria: LabCorp Variant Classification Summary - May 2015. Collection method: clinical testing. Allele origin: germline.
Comment: Variant summary: The IFNGR2 c.466A>C (p.Ile156Leu) variant involves the alteration of a non-conserved nucleotide. 5/5 in silico tools predict a benign outcome for this variant . This variant was found in 235/121572 control chromosomes at a frequency of 0.001933, which is approximately 2 times the estimated maximal expected allele frequency of a pathogenic IFNGR2 variant (0.001118), suggesting this variant is likely a benign polymorphism. The variant of interest has not, to our knowledge, been reported in affected individuals via publications and/or reputable databases/clinical diagnostic laboratories; nor evaluated for functional impact by in vivo/vitro studies. Taken together, this variant is classified as likely benign based on relatively high frequency in controls and unanimously benign prediction by mutliple in silico tools.

Genome Diagnostics Laboratory, University Medical Center Utrecht
Classification: Likely benign for Immunodeficiency 27A. Last evaluated: 2014-10-09. Review status: criteria provided, single submitter. Criteria: ACGS Guidelines, 2013. Collection method: clinical testing. Allele origin: germline. Affected: yes. Study: VKGL Data-share Consensus.

Human Evolutionary Genetics, Institut Pasteur
No classification provided. Review status: no classification provided. Collection method: not provided. Allele origin: not provided. Not counted in ClinVar's aggregate classification.